The following is an entry in ClinVar:

ClinVar aggregate classification (germline): Conflicting classifications of pathogenicity. Review status: criteria provided, conflicting classifications (1 of 4 stars). 8 submissions from 4 submitters: Uncertain significance (6); Benign (1); Likely benign (1). Last evaluated 2025-05-08.

Conditions:
Dilated cardiomyopathy 1G (CMD1G). Identifiers: Orphanet 154, MedGen C1858763, MONDO:0011400, OMIM 604145.
Hypertrophic cardiomyopathy 9. Also called: Familial hypertrophic cardiomyopathy 9. Identifiers: MedGen C1861065, MONDO:0013412, OMIM 613765.
Early-onset myopathy with fatal cardiomyopathy (CMYO5). Also called: Salih Myopathy; CONGENITAL MYOPATHY 5 WITH CARDIOMYOPATHY. Identifiers: Orphanet 289377, MedGen C2673677, MONDO:0012714, OMIM 611705. Disease mechanism: loss of function.
Autosomal recessive limb-girdle muscular dystrophy type 2J (LGMDR10). Also called: Limb-girdle muscular dystrophy, type 2J; MUSCULAR DYSTROPHY, LIMB-GIRDLE, AUTOSOMAL RECESSIVE 10. Identifiers: Orphanet 140922, MedGen C1837342, MONDO:0012127, OMIM 608807.
Myopathy, myofibrillar, 9, with early respiratory failure (MFM9). Also called: Hereditary myopathy with early respiratory failure; EDSTROM MYOPATHY; MYOPATHY, PROXIMAL, WITH EARLY RESPIRATORY MUSCLE INVOLVEMENT; Myopathy, distal, with early respiratory failure, autosomal dominant. Identifiers: Orphanet 178464, Orphanet 34521, MedGen C1863599, MONDO:0011362, OMIM 603689.
Tibial muscular dystrophy (TMD). Also called: UDD MYOPATHY; Udd Distal Myopathy – Tibial Muscular Dystrophy; Tibial muscular dystrophy, tardive. Identifiers: Orphanet 609, MedGen C1838244, MONDO:0010870, OMIM 600334.

Allele frequency attached by ClinVar (database versions not stated): gnomAD 0.00002 and 0.00003; gnomAD exomes 0.00002 and 0.00003; ExAC 0.00003; TOPMed 0.00003.
gnomAD v4.1: 49 of 1,612,410 alleles (0.003%); highest among the groups gnomAD compares: Non-Finnish European, 0.0039%; no homozygotes.

Submissions (8):

Revvity Omics, Revvity
Classification: Uncertain significance. Last evaluated: 2025-05-08. Review status: criteria provided, single submitter. Criteria: ACMG Guidelines, 2015. Collection method: clinical testing. Allele origin: germline.

Clinical Genomics Laboratory, Washington University in St. Louis
Classification: Uncertain significance for Hypertrophic cardiomyopathy 9; Dilated cardiomyopathy 1G. Last evaluated: 2024-12-23. Review status: criteria provided, single submitter. Criteria: ACMG Guidelines, 2015. Collection method: clinical testing. Allele origin: germline.
Comment: The TTN c.49310T>A (p.Val16437Asp) variant, to our knowledge, has not been reported in the medical literature. This variant is only observed on 6/278,804 alleles in the general population (gnomAD v.2.1.1), indicating it is not a common variant. Computational predictors suggest that the variant does not impact TTN function. This variant has been reported in the ClinVar database as a germline benign and likely benign variant by one submitter each, and a variant of uncertain significance by three submitters. Due to limited information, and based on ACMG/AMP guidelines for variant interpretation (Richards S et al., PMID: 25741868), the clinical significance of this variant is uncertain at this time.

Illumina Laboratory Services, Illumina
Classification: Uncertain significance for Early-onset myopathy with fatal cardiomyopathy. Last evaluated: 2018-01-13. Review status: criteria provided, single submitter. Criteria: ICSL Variant Classification Criteria 13 December 2019. Collection method: clinical testing. Allele origin: germline.

Illumina Laboratory Services, Illumina
Classification: Uncertain significance for Autosomal recessive limb-girdle muscular dystrophy type 2J. Last evaluated: 2018-01-13. Review status: criteria provided, single submitter. Criteria: ICSL Variant Classification Criteria 13 December 2019. Collection method: clinical testing. Allele origin: germline.

Illumina Laboratory Services, Illumina
Classification: Likely benign for Myopathy, myofibrillar, 9, with early respiratory failure. Last evaluated: 2018-01-13. Review status: criteria provided, single submitter. Criteria: ICSL Variant Classification Criteria 13 December 2019. Collection method: clinical testing. Allele origin: germline.
Comment: This variant was observed in the ICSL laboratory as part of a predisposition screen in an ostensibly healthy population. It had not been previously curated by ICSL or reported in the Human Gene Mutation Database (HGMD: prior to June 1st, 2018), and was therefore a candidate for classification through an automated scoring system. Utilizing variant allele frequency, disease prevalence and penetrance estimates, and inheritance mode, an automated score was calculated to assess if this variant is too frequent to cause the disease. Based on the score and internal cut-off values, a variant classified as likely benign is not then subjected to further curation. The score for this variant resulted in a classification of likely benign for this disease.

Illumina Laboratory Services, Illumina
Classification: Uncertain significance for Dilated cardiomyopathy 1G. Last evaluated: 2018-01-13. Review status: criteria provided, single submitter. Criteria: ICSL Variant Classification Criteria 13 December 2019. Collection method: clinical testing. Allele origin: germline.

Illumina Laboratory Services, Illumina
Classification: Benign for Tibial muscular dystrophy. Last evaluated: 2018-01-13. Review status: criteria provided, single submitter. Criteria: ICSL Variant Classification Criteria 13 December 2019. Collection method: clinical testing. Allele origin: germline.
Comment: This variant was observed in the ICSL laboratory as part of a predisposition screen in an ostensibly healthy population. It had not been previously curated by ICSL or reported in the Human Gene Mutation Database (HGMD: prior to June 1st, 2018), and was therefore a candidate for classification through an automated scoring system. Utilizing variant allele frequency, disease prevalence and penetrance estimates, and inheritance mode, an automated score was calculated to assess if this variant is too frequent to cause the disease. Based on the score and internal cut-off values, a variant classified as benign is not then subjected to further curation. The score for this variant resulted in a classification of benign for this disease.

Eurofins Ntd Llc (ga)
Classification: Uncertain significance. Last evaluated: 2016-09-22. Review status: criteria provided, single submitter. Criteria: EGL Classification Definitions 2015. Collection method: clinical testing. Allele origin: germline. Observed: 3 variant alleles, 2 heterozygotes.

NM_001267550.2(TTN):c.49310T>A (p.Val16437Asp)

Genes: TTN (titin; minus strand), TTN-AS1 (TTN antisense RNA 1; plus strand). Cytogenetic location: 2q31.2.
Variant type: single nucleotide variant.
Coding change: c.49310T>A on transcript NM_001267550.2 (MANE Select); coding-DNA position 49310, T replaced by A.
Protein change: p.Val16437Asp; replaces valine 16437 with aspartic acid.
Molecular consequence: missense variant. On other transcripts: non-coding transcript variant (1).
Genome position (GRCh38, 1-based): chr2:178,614,087, A>T on the plus strand (T>A on the coding strand, the complement: TTN is on the minus strand). VCF-style: chr2-178614087-A-T. GRCh37 (hg19) VCF-style: chr2-179478814-A-T.
Other names: c.44387T>A, p.Val14796Asp (NM_001256850.1); c.22115T>A, p.Val7372Asp (NM_003319.4); c.41606T>A, p.Val13869Asp (NM_133378.4); c.22490T>A, p.Val7497Asp (NM_133432.3); c.22691T>A, p.Val7564Asp (NM_133437.4); short protein forms V16437D, V13869D, V14796D, V7497D, V7372D, V7564D.
Identifiers: ClinVar variation 284443 (VCV000284443.12), dbSNP rs767768313, ClinGen allele CA1994638.